The following is an entry in ClinVar:

ClinVar aggregate classification (germline): Uncertain significance (1 of 4 stars; one submission).

Submission:

Labcorp Genetics (formerly Invitae), Labcorp
Classification: Uncertain significance. Last evaluated: 2022-08-24. Review status: criteria provided, single submitter. Criteria: Invitae Variant Classification Sherloc (09022015). Collection method: clinical testing. Allele origin: germline.
Comment: In summary, the available evidence is currently insufficient to determine the role of this variant in disease. Therefore, it has been classified as a Variant of Uncertain Significance. Algorithms developed to predict the effect of missense changes on protein structure and function are either unavailable or do not agree on the potential impact of this missense change (SIFT: "Deleterious"; PolyPhen-2: "Probably Damaging"; Align-GVGD: "Class C0"). This variant has not been reported in the literature in individuals affected with KMT2C-related conditions. This variant is not present in population databases (gnomAD no frequency). This sequence change replaces proline, which is neutral and non-polar, with serine, which is neutral and polar, at codon 2046 of the KMT2C protein (p.Pro2046Ser).

NM_170606.3(KMT2C):c.6136C>T (p.Pro2046Ser)

Gene: KMT2C (lysine methyltransferase 2C; minus strand). Cytogenetic location: 7q36.1.
Variant type: single nucleotide variant.
Coding change: c.6136C>T on transcript NM_170606.3 (MANE Select); coding-DNA position 6136, C replaced by T.
Protein change: p.Pro2046Ser; replaces proline 2046 with serine.
Molecular consequence: missense variant.
Genome position (GRCh38, 1-based): chr7:152,181,724, G>A on the plus strand (C>T on the coding strand, the complement: KMT2C is on the minus strand). VCF-style: chr7-152181724-G-A. GRCh37 (hg19) VCF-style: chr7-151878809-G-A.
Other names: short protein forms P2046S.
Identifiers: ClinVar variation 2015772 (VCV002015772.4), dbSNP rs748819219, ClinGen allele CA370096479.